The following is an entry in ClinVar:

ClinVar aggregate classification (germline): Uncertain significance (1 of 4 stars; one submission).

Conditions:
Candidiasis, familial, 9 (CANDF9). Identifiers: Orphanet 1334, MedGen C4225324, MONDO:0014642, OMIM 616445.

Allele frequency attached by ClinVar (database versions not stated): TOPMed below 0.00001.
gnomAD v4.1: 1 of 1,606,644 alleles (0.000062%); highest among the groups gnomAD compares: Non-Finnish European, 0.000085%; no homozygotes.

Submission:

Labcorp Genetics (formerly Invitae), Labcorp
Classification: Uncertain significance for Candidiasis, familial, 9. Last evaluated: 2026-01-02. Review status: criteria provided, single submitter. Criteria: Invitae Variant Classification Sherloc (09022015). Collection method: clinical testing. Allele origin: germline.
Comment: This sequence change replaces alanine, which is neutral and non-polar, with glutamic acid, which is acidic and polar, at codon 774 of the IL17RC protein (p.Ala774Glu). The frequency data for this variant in the population databases is considered unreliable, as metrics indicate poor data quality at this position in the gnomAD database. This variant has not been reported in the literature in individuals affected with IL17RC-related conditions. ClinVar contains an entry for this variant (Variation ID: 2902657). An algorithm developed to predict the effect of missense changes on protein structure and function outputs the following: PolyPhen-2: "Not Available". The glutamic acid amino acid residue is found in multiple mammalian species, which suggests that this missense change does not adversely affect protein function. In summary, the available evidence is currently insufficient to determine the role of this variant in disease. Therefore, it has been classified as a Variant of Uncertain Significance.

NM_153460.4(IL17RC):c.2108C>A (p.Ala703Glu)

Genes: IL17RC (interleukin 17 receptor C; plus strand), LOC129936144 (ATAC-STARR-seq lymphoblastoid silent region 14051; plus strand). Cytogenetic location: 3p25.3.
Variant type: single nucleotide variant.
Coding change: c.2108C>A on transcript NM_153460.4 (MANE Select); coding-DNA position 2108, C replaced by A.
Protein change: p.Ala703Glu; replaces alanine 703 with glutamic acid.
Molecular consequence: missense variant. On other transcripts: non-coding transcript variant (1).
Genome position (GRCh38, 1-based): chr3:9,933,538, C>A. VCF-style: chr3-9933538-C-A. GRCh37 (hg19) VCF-style: chr3-9975222-C-A.
Other names: c.2069C>A, p.Ala690Glu (NM_001203263.2); c.2018C>A, p.Ala673Glu (NM_001203264.2); c.2012C>A, p.Ala671Glu (NM_001203265.2); c.2030C>A, p.Ala677Glu (NM_001367278.1); c.1949C>A, p.Ala650Glu (NM_001367279.1); c.2024C>A, p.Ala675Glu (NM_001367280.1); c.1973C>A, p.Ala658Glu (NM_001410711.1); c.2063C>A, p.Ala688Glu (NM_032732.6); and 1 more; short protein forms A650E, A671E, A690E, A774E, A673E, A677E, A688E, A703E.
Identifiers: ClinVar variation 2902657 (VCV002902657.3), dbSNP rs1181366017, ClinGen allele CA351709750.
Genomic context (GRCh38, chr3:9,933,538, plus strand): 5'-AAGTGTCCCGGGCCCTTCAGCCAGCCCTGGATAGCTACTTCCATCCCCCGGGGACTCCCG[C>A]GCCGGGACGCGGGGTGGGACCAGGCGCGGGACCTGGGGCGGGGGACGGGACTTAAATAAA-3'
Protein context (NP_703190.2, residues 693-713): DSYFHPPGTP[Ala703Glu]PGRGVGPGAG